The following is an entry in ClinVar:

NM_001165963.4(SCN1A):c.890C>T (p.Thr297Ile)

Gene: SCN1A (sodium voltage-gated channel alpha subunit 1; minus strand). Cytogenetic location: 2q24.3.
Variant type: single nucleotide variant.
Coding change: c.890C>T on transcript NM_001165963.4 (MANE Select); coding-DNA position 890, C replaced by T.
Protein change: p.Thr297Ile; replaces threonine 297 with isoleucine.
Molecular consequence: missense variant. On other transcripts: 5 prime UTR variant (1), non-coding transcript variant (1).
Genome position (GRCh38, 1-based): chr2:166,051,793, G>A on the plus strand (C>T on the coding strand, the complement: SCN1A is on the minus strand). VCF-style: chr2-166051793-G-A. GRCh37 (hg19) VCF-style: chr2-166908303-G-A.
Other names: c.890C>T, p.Thr297Ile (NM_001165964.3, NM_001202435.3, NM_001353948.2 and 10 more transcripts); c.-1536C>T (NM_001353961.2); short protein forms T297I.
Identifiers: ClinVar variation 68675 (VCV000068675.57), dbSNP rs121918771, ClinGen allele CA285264.
Genomic context (GRCh38, chr2:166,051,793, plus strand): 5'-TATGACTTCCAGTCAAACTCAAAGACAGTTTCATTTATAAGTGTACCATTATAATTCACA[G>A]TTATATTCTTTTCTATACTATGTTCCTCCAAGGAAGCATTGGTGGGAGGCCATTGTATAC-3'
Protein context (NP_001159435.1, residues 287-307): LEEHSIEKNI[Thr297Ile]VNYNGTLINE

ClinVar aggregate classification (germline): Conflicting classifications of pathogenicity. Review status: criteria provided, conflicting classifications (1 of 4 stars). 7 submissions from 6 submitters: Uncertain significance (5); Likely benign (1). 1 of the submissions does not count toward it. Last evaluated 2025-09-15.

Conditions:
Early-infantile DEE. Also called: Ohtahara syndrome; Early infantile epileptic encephalopathy with suppression bursts; Early infantile epileptic encephalopathy. Identifiers: Orphanet 1934, MedGen C0393706, MONDO:0800491.
Migraine, familial hemiplegic, 3. Identifiers: Orphanet 569, MedGen C1864987, MONDO:0012320, OMIM 609634.
Generalized epilepsy with febrile seizures plus, type 2 (GEFSP2). Also called: GEFS+, TYPE 2. Identifiers: Orphanet 36387, MedGen C1858673, MONDO:0011461, OMIM 604403.
Severe myoclonic epilepsy in infancy (DRVT). Also called: DEVELOPMENTAL AND EPILEPTIC ENCEPHALOPATHY 6A; Severe Myoclonic Epilepsy in Infancy (SMEI); Epileptic encephalopathy, early infantile, 6 (Dravet syndrome); SEVERE MYOCLONIC EPILEPSY OF INFANCY; Dravet syndrome. Identifiers: Orphanet 33069, MedGen C0751122, MONDO:0100135, OMIM 607208.

Allele frequency attached by ClinVar (database versions not stated): gnomAD exomes 0.00001; ExAC 0.00002; TOPMed 0.00002; gnomAD 0.00003; ESP Exome Variant Server 0.00008; 1000 Genomes Project 30x 0.00016; 1000 Genomes Project 0.00020.
gnomAD v4.1: 23 of 1,610,272 alleles (0.0014%); highest among the groups gnomAD compares: Middle Eastern, 0.017%; no homozygotes.

Submissions (7):

Women's Health and Genetics/Laboratory Corporation of America, LabCorp
Classification: Uncertain significance. Last evaluated: 2025-09-15. Review status: criteria provided, single submitter. Criteria: LabCorp Variant Classification Summary - May 2015. Collection method: clinical testing. Allele origin: germline.
Comment: Variant summary: SCN1A c.890C>T (p.Thr297Ile) results in a non-conservative amino acid change in the encoded protein sequence. Algorithms developed to predict the effect of missense changes on protein structure and function are either unavailable or do not agree on the potential impact of this missense change. The variant allele was found at a frequency of 1.2e-05 in 250174 control chromosomes. The available data on variant occurrences in the general population are insufficient to allow any conclusion about variant significance. c.890C>T has been observed in cis with another missense variant in an individual affected with SCN1A-Related Seizure Disorder (Binini_2017). These report(s) do not provide unequivocal conclusions about association of the variant with SCN1A-Related Seizure Disorder. At least one publication reports experimental evidence evaluating an impact on protein function, however, the data does not allow convincing conclusions about the variant effect (Binini_2017). The following publication have been ascertained in the context of this evaluation (PMID: 28951233). ClinVar contains an entry for this variant (Variation ID: 68675). Based on the evidence outlined above, the variant was classified as uncertain significance.

CeGaT Center for Human Genetics Tuebingen
Classification: Uncertain significance. Last evaluated: 2025-06-01. Review status: criteria provided, single submitter. Criteria: CeGaT Center For Human Genetics Tuebingen Variant Classification Criteria Version 2. Collection method: clinical testing. Allele origin: germline. Affected: yes. Observed: 2 variant alleles.

Labcorp Genetics (formerly Invitae), Labcorp
Classification: Likely benign for Early-infantile DEE. Last evaluated: 2025-04-30. Review status: criteria provided, single submitter. Criteria: Invitae Variant Classification Sherloc (09022015). Collection method: clinical testing. Allele origin: germline.

GeneDx
Classification: Uncertain significance. Last evaluated: 2024-05-23. Review status: criteria provided, single submitter. Criteria: GeneDx Variant Classification Process June 2021. Collection method: clinical testing. Allele origin: germline. Affected: yes.
Comment: Reported previously in several unrelated patients with severe myoclonic epilepsy in infancy (SMEI); in two families the variant was maternally inherited (PMID: 12821740, 15277629, 17054684); Functional analysis of the T297I variant showed no significant difference compared to wildtype, suggesting T297I is not a pathogenic variant (PMID: 28951233); This substitution is predicted to be within the extracellular loop between the S5 and S6 transmembrane segments of the first homologous domain; In silico analysis supports that this missense variant has a deleterious effect on protein structure/function; This variant is associated with the following publications: (PMID: 23527921, 15277629, 17054684, 28951233, 28150151, 36336987, 12821740, 32897040)

Illumina Laboratory Services, Illumina
Classification: Uncertain significance for Generalized epilepsy with febrile seizures plus, type 2. Last evaluated: 2017-04-27. Review status: criteria provided, single submitter. Criteria: ICSL Variant Classification Criteria 13 December 2019. Collection method: clinical testing. Allele origin: germline.

Illumina Laboratory Services, Illumina
Classification: Uncertain significance for Migraine, familial hemiplegic, 3. Last evaluated: 2017-04-27. Review status: criteria provided, single submitter. Criteria: ICSL Variant Classification Criteria 13 December 2019. Collection method: clinical testing. Allele origin: germline.

UniProtKB/Swiss-Prot
No classification provided. Condition: Severe myoclonic epilepsy in infancy. Review status: no classification provided. Collection method: not provided. Allele origin: not provided. Not counted in ClinVar's aggregate classification.

Literature cited by the submitters: PubMed 28951233 (cited by Women's Health and Genetics/Laboratory Corporation of America, LabCorp).